The following is an entry in ClinVar:

NM_007294.4(BRCA1):c.725G>A (p.Ser242Asn)

Gene: BRCA1 (BRCA1 DNA repair associated; minus strand). Cytogenetic location: 17q21.31.
Variant type: single nucleotide variant.
Coding change: c.725G>A on transcript NM_007294.4 (MANE Select); coding-DNA position 725, G replaced by A.
Protein change: p.Ser242Asn; replaces serine 242 with asparagine.
Molecular consequence: missense variant. On other transcripts: non-coding transcript variant (1).
Genome position (GRCh38, 1-based): chr17:43,094,806, C>T on the plus strand (G>A on the coding strand, the complement: BRCA1 is on the minus strand). VCF-style: chr17-43094806-C-T. GRCh37 (hg19) VCF-style: chr17-41246823-C-T.
Other names: c.512G>A, p.Ser171Asn (NM_001407571.1, NM_001407853.1, NM_001407894.1 and 12 more transcripts); c.725G>A, p.Ser242Asn (NM_001407581.1, NM_001407582.1, NM_001407583.1 and 54 more transcripts); c.722G>A, p.Ser241Asn (NM_001407587.1, NM_001407590.1, NM_001407591.1 and 38 more transcripts); c.716G>A, p.Ser239Asn (NM_001407646.1, NM_001407647.1, NM_001408408.1); c.602G>A, p.Ser201Asn (NM_001407648.1, NM_001407664.1, NM_001407665.1 and 34 more transcripts); c.599G>A, p.Ser200Asn (NM_001407649.1, NM_001407670.1, NM_001407671.1 and 20 more transcripts); c.647G>A, p.Ser216Asn (NM_001407653.1, NM_001407654.1, NM_001407655.1 and 9 more transcripts); c.644G>A, p.Ser215Asn (NM_001407659.1, NM_001407660.1, NM_001407661.1 and 3 more transcripts); and 14 more; short protein forms S195N, S242N, S114N, S171N, S215N, S239N, S74N, S131N.
Identifiers: ClinVar variation 848165 (VCV000848165.13), dbSNP rs2054059120, ClinGen allele CA10600635.

ClinVar aggregate classification (germline): Conflicting classifications of pathogenicity. Review status: criteria provided, conflicting classifications (1 of 4 stars). 2 submissions from 2 submitters: Uncertain significance (1); Likely benign (1). Last evaluated 2023-03-23.

Conditions:
Hereditary breast ovarian cancer syndrome. Also called: Hereditary breast and ovarian cancer syndrome; Breast and ovarian cancer; Hereditary breast and/or ovarian cancer syndrome; Hereditary breast and ovarian cancer; BRCA1- and BRCA2-Associated Hereditary Breast and Ovarian Cancer; Hereditary breast and ovarian cancer syndrome (HBOC). Identifiers: Orphanet 145, MedGen C0677776, MeSH D061325, MONDO:0003582. Disease mechanism: loss of function.
Hereditary cancer-predisposing syndrome. Also called: Tumor predisposition; Neoplastic Syndromes, Hereditary; Hereditary neoplastic syndrome; Hereditary Cancer Syndrome. Identifiers: Orphanet 140162, MedGen C0027672, MeSH D009386, MONDO:0015356.

Submissions (2):

University of Washington Department of Laboratory Medicine, University of Washington
Classification: Likely benign for Hereditary cancer-predisposing syndrome. Last evaluated: 2023-03-23. Review status: criteria provided, single submitter. Criteria: Dines et al. (Genet Med. 2020). Collection method: curation. Allele origin: germline.
Comment: Missense variant in a coldspot region where missense variants are very unlikely to be pathogenic (PMID:31911673).

BRCA1 coldspot (exon 11 using historical exon numbering). Reclassification based on statistical prior probability

Labcorp Genetics (formerly Invitae), Labcorp
Classification: Uncertain significance for Hereditary breast ovarian cancer syndrome. Last evaluated: 2020-04-24. Review status: criteria provided, single submitter. Criteria: Invitae Variant Classification Sherloc (09022015). Collection method: clinical testing. Allele origin: germline.
Comment: This sequence change replaces serine with asparagine at codon 242 of the BRCA1 protein (p.Ser242Asn). The serine residue is moderately conserved and there is a small physicochemical difference between serine and asparagine. In summary, the available evidence is currently insufficient to determine the role of this variant in disease. Therefore, it has been classified as a Variant of Uncertain Significance. Algorithms developed to predict the effect of missense changes on protein structure and function output the following: SIFT: "Tolerated"; PolyPhen-2: "Benign"; Align-GVGD: "Class C0". The asparagine amino acid residue is found in multiple mammalian species, suggesting that this missense change does not adversely affect protein function. These predictions have not been confirmed by published functional studies and their clinical significance is uncertain. This variant has not been reported in the literature in individuals with BRCA1-related conditions. This variant is not present in population databases (ExAC no frequency).